The following is an entry in ClinVar:

ClinVar aggregate classification (germline): Uncertain significance (1 of 4 stars; one submission).

Conditions:
Telangiectasia, hereditary hemorrhagic, type 2 (HHT2). Also called: ACVRL1-Related Hereditary Hemorrhagic Telangiectasia; Telangiectasia, hereditary hemorrhagic, type II. Identifiers: Orphanet 774, MedGen C1838163, MONDO:0010880, OMIM 600376. Disease mechanism: loss of function.

Submission:

Labcorp Genetics (formerly Invitae), Labcorp
Classification: Uncertain significance for Telangiectasia, hereditary hemorrhagic, type 2. Last evaluated: 2025-06-22. Review status: criteria provided, single submitter. Criteria: Invitae Variant Classification Sherloc (09022015). Collection method: clinical testing. Allele origin: germline.
Comment: This sequence change falls in intron 4 of the ACVRL1 gene. It does not directly change the encoded amino acid sequence of the ACVRL1 protein. This variant is not present in population databases (gnomAD no frequency). This variant has been observed in individual(s) with ACVRL1-related conditions (internal data). Algorithms developed to predict the effect of sequence changes on RNA splicing suggest that this variant may disrupt the consensus splice site. In summary, the available evidence is currently insufficient to determine the role of this variant in disease. Therefore, it has been classified as a Variant of Uncertain Significance.

NM_000020.3(ACVRL1):c.526-30_526-20del

Gene: ACVRL1 (activin A receptor like type 1; plus strand). Cytogenetic location: 12q13.13.
Variant type: Deletion.
Coding change: c.526-30_526-20del on transcript NM_000020.3 (MANE Select); 30 bases into the intron before coding-DNA position 526 through 20 bases into the intron before coding-DNA position 526, 11 bases deleted (AGCCTCTCAGT).
Molecular consequence: intron variant.
Genome position (GRCh38, 1-based): chr12:51,913,944-51,913,954, AGCCTCTCAGT deleted. VCF-style (leftmost placement, unchanged base first): chr12-51913943-CAGCCTCTCAGT-C. GRCh37 (hg19) VCF-style: chr12-52307727-CAGCCTCTCAGT-C.
Other names: c.526-30_526-20del (NM_001406487.1, NM_001406488.1, NM_001077401.2 and 1 more transcripts); c.314-495_314-485del (NM_001406491.1, NM_001406490.1, NM_001406492.1 and 2 more transcripts); c.62-495_62-485del (NM_001406495.1).
Identifiers: ClinVar variation 4721859 (VCV004721859.1).